The following is an entry in ClinVar:

ClinVar aggregate classification (germline): Uncertain significance (1 of 4 stars; one submission).

gnomAD v4.1: 1 of 1,614,082 alleles (0.000062%); highest among the groups gnomAD compares: Non-Finnish European, 0.000085%; no homozygotes.

Submission:

GeneDx
Classification: Uncertain significance. Last evaluated: 2022-07-06. Review status: criteria provided, single submitter. Criteria: GeneDx Variant Classification Process June 2021. Collection method: clinical testing. Allele origin: germline. Affected: yes.
Comment: Not observed at significant frequency in large population cohorts (gnomAD); Canonical splice site variant in a gene or region of a gene for which loss of function is not a well-established mechanism of disease; Has not been previously published as pathogenic or benign to our knowledge; Reported using an alternate transcript of the gene

NM_182641.4(BPTF):c.7321C>T (p.Gln2441Ter)

Gene: BPTF (bromodomain PHD finger transcription factor; plus strand). Cytogenetic location: 17q24.2.
Variant type: single nucleotide variant.
Coding change: c.7321C>T on transcript NM_182641.4 (MANE Select); coding-DNA position 7321, C replaced by T.
Protein change: p.Gln2441Ter; replaces glutamine 2441 with a stop codon.
Molecular consequence: nonsense. On other transcripts: intron variant (1).
Genome position (GRCh38, 1-based): chr17:67,946,029, C>T. VCF-style: chr17-67946029-C-T. GRCh37 (hg19) VCF-style: chr17-65942145-C-T.
Other names: c.7566+133C>T (NM_004459.7); short protein forms Q2441*.
Identifiers: ClinVar variation 1810467 (VCV001810467.1), dbSNP rs782167494, ClinGen allele CA400724836.